The following is an entry in ClinVar:

NM_001352754.2(ARMC9):c.814C>T (p.Arg272Cys)

Gene: ARMC9 (armadillo repeat containing 9; plus strand). Cytogenetic location: 2q37.1.
Variant type: single nucleotide variant.
Coding change: c.814C>T on transcript NM_001352754.2 (MANE Select); coding-DNA position 814, C replaced by T.
Protein change: p.Arg272Cys; replaces arginine 272 with cysteine.
Molecular consequence: missense variant. On other transcripts: non-coding transcript variant (1), intron variant (2).
Genome position (GRCh38, 1-based): chr2:231,239,976, C>T. VCF-style: chr2-231239976-C-T. GRCh37 (hg19) VCF-style: chr2-232104689-C-T.
Other names: c.814C>T, p.Arg272Cys (NM_001271466.4, NM_001291656.2, NM_001352755.2 and 3 more transcripts); c.780+4595C>T (NM_001352757.2, NM_001352758.2); short protein forms R272C.
Identifiers: ClinVar variation 1402340 (VCV001402340.7), dbSNP rs751337667, ClinGen allele CA2160057.

ClinVar aggregate classification (germline): Uncertain significance (1 of 4 stars; one submission).

Allele frequency attached by ClinVar (database versions not stated): gnomAD 0.00001; gnomAD exomes 0.00001; TOPMed 0.00001; ExAC 0.00002.
gnomAD v4.1: 29 of 1,613,890 alleles (0.0018%); highest among the groups gnomAD compares: East Asian, 0.0022%; no homozygotes.

Submission:

Labcorp Genetics (formerly Invitae), Labcorp
Classification: Uncertain significance. Last evaluated: 2024-01-02. Review status: criteria provided, single submitter. Criteria: Invitae Variant Classification Sherloc (09022015). Collection method: clinical testing. Allele origin: germline.
Comment: This sequence change replaces arginine, which is basic and polar, with cysteine, which is neutral and slightly polar, at codon 272 of the ARMC9 protein (p.Arg272Cys). This variant is present in population databases (rs751337667, gnomAD 0.007%). This variant has not been reported in the literature in individuals affected with ARMC9-related conditions. ClinVar contains an entry for this variant (Variation ID: 1402340). Experimental studies and prediction algorithms are not available or were not evaluated, and the functional significance of this variant is currently unknown. In summary, the available evidence is currently insufficient to determine the role of this variant in disease. Therefore, it has been classified as a Variant of Uncertain Significance.